The following is an entry in ClinVar:

NM_019098.5(CNGB3):c.1119G>A (p.Trp373Ter)

Gene: CNGB3 (cyclic nucleotide gated channel subunit beta 3; minus strand). Cytogenetic location: 8q21.3.
Variant type: single nucleotide variant.
Coding change: c.1119G>A on transcript NM_019098.5 (MANE Select); coding-DNA position 1119, G replaced by A.
Protein change: p.Trp373Ter; replaces tryptophan 373 with a stop codon.
Molecular consequence: nonsense.
Genome position (GRCh38, 1-based): chr8:86,643,810, C>T on the plus strand (G>A on the coding strand, the complement: CNGB3 is on the minus strand). VCF-style: chr8-86643810-C-T. GRCh37 (hg19) VCF-style: chr8-87656038-C-T.
Other names: short protein forms W373*.
Identifiers: ClinVar variation 189190 (VCV000189190.18), dbSNP rs786204762, ClinGen allele CA274480.
Genomic context (GRCh38, chr8:86,643,810, plus strand): 5'-CTCGTTTCCTTCCCCATCATACACCCATCTAGTAGTGCCAATTCCTTCATAGTTTGAAGC[C>T]CAGTAATAAACACAGGCATTAATGTGCAGAATAAACAGCAAGTATCCAGTTGTTCGAATA-3'

ClinVar aggregate classification (germline): Pathogenic. Review status: criteria provided, multiple submitters, no conflicts (2 of 4 stars). 7 submissions from 7 submitters: Pathogenic (5). 2 of the submissions do not count toward it. Last evaluated 2026-04-01.

Conditions:
CNGB3-related disorder. Also called: CNGB3-related disorders; CNGB3-related condition. Identifiers: MedGen CN239340.
Achromatopsia 3 (ACHM3). Also called: ACHROMATOPSIA WITH MYOPIA; PINGELAPESE BLINDNESS; TOTAL COLORBLINDNESS WITH MYOPIA; ROD MONOCHROMACY 1; ROD MONOCHROMATISM 1. Identifiers: Orphanet 49382, MedGen C1849792, MONDO:0009875, OMIM 262300.

Allele frequency attached by ClinVar (database versions not stated): gnomAD exomes 0.00001; TOPMed 0.00001.
gnomAD v4.1: 5 of 1,606,402 alleles (0.00031%); highest among the groups gnomAD compares: African/African-American, 0.0014%; no homozygotes.

Submissions (7):

CeGaT Center for Human Genetics Tuebingen
Classification: Pathogenic. Last evaluated: 2026-04-01. Review status: criteria provided, single submitter. Criteria: CeGaT Center For Human Genetics Tuebingen Variant Classification Criteria Version 2. Collection method: clinical testing. Allele origin: germline. Affected: yes. Observed: 1 variant allele.
Comment: CNGB3: PVS1, PM2, PM3

Labcorp Genetics (formerly Invitae), Labcorp
Classification: Pathogenic. Last evaluated: 2025-08-02. Review status: criteria provided, single submitter. Criteria: Invitae Variant Classification Sherloc (09022015). Collection method: clinical testing. Allele origin: germline.
Comment: This sequence change creates a premature translational stop signal (p.Trp373*) in the CNGB3 gene. It is expected to result in an absent or disrupted protein product. Loss-of-function variants in CNGB3 are known to be pathogenic (PMID: 28795510). This variant is not present in population databases (gnomAD no frequency). This premature translational stop signal has been observed in individual(s) with achromatopsia (PMID: 15657609, 28795510). ClinVar contains an entry for this variant (Variation ID: 189190). For these reasons, this variant has been classified as Pathogenic.

Fulgent Genetics
Classification: Pathogenic for Achromatopsia 3. Last evaluated: 2024-05-23. Review status: criteria provided, single submitter. Criteria: ACMG Guidelines, 2015. Collection method: clinical testing. Allele origin: germline.

Blueprint Genetics
Classification: Pathogenic for CNGB3-related disorders. Last evaluated: 2017-08-24. Review status: criteria provided, single submitter. Criteria: ACMG Guidelines, 2015. Collection method: clinical testing. Allele origin: germline. Affected: yes. Observed: 3 variant alleles.

GeneDx
Classification: Pathogenic. Last evaluated: 2016-04-14. Review status: criteria provided, single submitter. Criteria: GeneDx Variant Classification (06012015). Collection method: clinical testing. Allele origin: germline. Affected: yes.
Comment: The W373X pathogenic variant in the CNGB3 gene has been reported previously in the homozygous state in an individual with achromatopsia (Kohl et al., 2005). This variant is predicted to cause loss of normal protein function either through protein truncation or nonsense-mediated mRNA decay. The W373X variant was not observed in approximately 6500 individuals of European and African American ancestry in the NHLBI Exome Sequencing Project. Therefore, we interpret W373X as a pathogenic variant.

Molecular Genetics Laboratory, Institute for Ophthalmic Research
Classification: Pathogenic for ACHM3. Last evaluated: 2017-03-27. Review status: no assertion criteria provided. Collection method: research. Allele origin: germline. Affected: yes. Not counted in ClinVar's aggregate classification.

Counsyl
Classification: Likely pathogenic for Achromatopsia 3. Last evaluated: 2015-02-23. Review status: no assertion criteria provided. Collection method: literature only. Allele origin: unknown. Inheritance: Autosomal recessive inheritance. Not counted in ClinVar's aggregate classification.

Literature cited by the submitters: PubMed 28795510 (cited by Labcorp Genetics (formerly Invitae), Labcorp and Molecular Genetics Laboratory, Institute for Ophthalmic Research); PubMed 15657609 (cited by Labcorp Genetics (formerly Invitae), Labcorp and Counsyl).